The following is an entry in ClinVar:

NM_000419.5(ITGA2B):c.2473_2481delinsTCACCTGGTC (p.Val825fs)

Gene: ITGA2B (integrin subunit alpha 2b; minus strand). Cytogenetic location: 17q21.31.
Variant type: Indel.
Coding change: c.2473_2481delinsTCACCTGGTC on transcript NM_000419.5 (MANE Select); coding-DNA positions 2473 to 2481, GTGAATGGT replaced by TCACCTGGTC.
Protein change: p.Val825fs; shifts the reading frame from valine 825.
Molecular consequence: frameshift variant.
Genome position (GRCh38, 1-based): chr17:44,375,953-44,375,961, ACCATTCAC replaced by GACCAGGTGA on the plus strand (GTGAATGGT replaced by TCACCTGGTC on the coding strand, the reverse complement: ITGA2B is on the minus strand). VCF-style: chr17-44375953-ACCATTCAC-GACCAGGTGA. GRCh37 (hg19) VCF-style: chr17-42453321-ACCATTCAC-GACCAGGTGA.
Other names: short protein forms V825fs.
Identifiers: ClinVar variation 996192 (VCV000996192.2), dbSNP rs2048539289, ClinGen allele CA915940289.

ClinVar aggregate classification (germline): Pathogenic (3 of 4 stars; one submission).

Conditions:
Glanzmann thrombasthenia. Also called: Glanzmann's thrombasthenia; PLATELET GLYCOPROTEIN IIb-IIIa DEFICIENCY; BLEEDING DISORDER, PLATELET-TYPE, 2; THROMBASTHENIA OF GLANZMANN AND NAEGELI; Thrombasthenia. Identifiers: Orphanet 849, MedGen C0040015, MONDO:0100326.

Submission:

ClinGen Platelet Disorders Variant Curation Expert Panel, ClinGen
Classification: Pathogenic for Glanzmann thrombasthenia. Last evaluated: 2020-11-10. Review status: reviewed by expert panel. Criteria: ClinGen Platelet ACMG Specifications v2. Collection method: curation. Allele origin: germline. Inheritance: Autosomal recessive inheritance.
Comment: The c.2473_2481delinsTCACCTGGTC (p.Val825SerfsTer89) frameshift variant has been reported in at least one compound heterozygous proband (PMID: 25539746) with a phenotype highly specific to GT. It is predicted to undergo NMD due to creation of a premature stop codon in exon 28. This variant is absent from controls in gnomAD, ExAC, and 1000 genomes. In summary, this variant meets criteria to be classified as Pathogenic for GT. GT-specific criteria applied: PVS1, PM2_supporting, and PP4_moderate.

Literature cited by the submitters: PubMed 25539746.